The following is an entry in ClinVar:

NM_000969.5(RPL5):c.324+14G>T

Genes: DIPK1A (divergent protein kinase domain 1A; minus strand), RPL5 (ribosomal protein L5; plus strand). Cytogenetic location: 1p22.1.
Variant type: single nucleotide variant.
Coding change: c.324+14G>T on transcript NM_000969.5 (MANE Select); 14 bases into the intron after coding-DNA position 324, G replaced by T.
Molecular consequence: intron variant.
Genome position (GRCh38, 1-based): chr1:92,834,927, G>T. VCF-style: chr1-92834927-G-T. GRCh37 (hg19) VCF-style: chr1-93300484-G-T.
Other names: c.475-1893C>A (NM_001252273.2).
Identifiers: ClinVar variation 875589 (VCV000875589.14), dbSNP rs200772479, ClinGen allele CA952435.

ClinVar aggregate classification (germline): Benign/Likely benign. Review status: criteria provided, multiple submitters, no conflicts (2 of 4 stars). 4 submissions from 4 submitters: Benign (2); Likely benign (2). Last evaluated 2026-01-05.

Conditions:
Diamond-Blackfan anemia. Also called: Blackfan Diamond syndrome; Aregenerative anemia chronic congenital; Red cell aplasia, pure hereditary; Congenital hypoplastic anemia; Aase syndrome. Identifiers: Orphanet 124, MedGen C1260899, MeSH D029503, MONDO:0015253, HP:0004810.
Diamond-Blackfan anemia 6 (DBA6). Also called: RPL5-Related Diamond-Blackfan Anemia. Identifiers: Orphanet 124, MedGen C2931850, MONDO:0012937, OMIM 612561.

Allele frequency attached by ClinVar (database versions not stated): 1000 Genomes Project 30x 0.00016; 1000 Genomes Project 0.00020; gnomAD 0.00029 and 0.00030; TOPMed 0.00041; ExAC 0.00043; ESP Exome Variant Server 0.00069; gnomAD exomes 0.00041 and 0.00063.
gnomAD v4.1: 942 of 1,600,108 alleles (0.059%); highest among the groups gnomAD compares: Non-Finnish European, 0.077%; 1 homozygote.

Submissions (4):

Labcorp Genetics (formerly Invitae), Labcorp
Classification: Benign for Diamond-Blackfan anemia. Last evaluated: 2026-01-05. Review status: criteria provided, single submitter. Criteria: Invitae Variant Classification Sherloc (09022015). Collection method: clinical testing. Allele origin: germline.

Blueprint Genetics
Classification: Likely benign. Last evaluated: 2024-10-02. Review status: criteria provided, single submitter. Criteria: ACMG Guidelines, 2015. Collection method: clinical testing. Allele origin: germline.

Fulgent Genetics
Classification: Likely benign for Diamond-Blackfan anemia 6. Last evaluated: 2022-02-04. Review status: criteria provided, single submitter. Criteria: ACMG Guidelines, 2015. Collection method: clinical testing. Allele origin: unknown.

Illumina Laboratory Services, Illumina
Classification: Benign for Diamond-Blackfan anemia 6. Last evaluated: 2018-01-12. Review status: criteria provided, single submitter. Criteria: ICSL Variant Classification Criteria 13 December 2019. Collection method: clinical testing. Allele origin: germline.
Comment: This variant was observed in the ICSL laboratory as part of a predisposition screen in an ostensibly healthy population. It had not been previously curated by ICSL or reported in the Human Gene Mutation Database (HGMD: prior to June 1st, 2018), and was therefore a candidate for classification through an automated scoring system. Utilizing variant allele frequency, disease prevalence and penetrance estimates, and inheritance mode, an automated score was calculated to assess if this variant is too frequent to cause the disease. Based on the score and internal cut-off values, a variant classified as benign is not then subjected to further curation. The score for this variant resulted in a classification of benign for this disease.